The following is an entry in ClinVar:

NM_001367624.2(ZNF469):c.10112C>T (p.Pro3371Leu)

Genes: ZNF469 (zinc finger protein 469; plus strand), LOC130059719 (ATAC-STARR-seq lymphoblastoid silent region 7848; plus strand). Cytogenetic location: 16q24.2.
Variant type: single nucleotide variant.
Coding change: c.10112C>T on transcript NM_001367624.2 (MANE Select); coding-DNA position 10112, C replaced by T.
Protein change: p.Pro3371Leu; replaces proline 3371 with leucine.
Molecular consequence: missense variant.
Genome position (GRCh38, 1-based): chr16:88,437,582, C>T. VCF-style: chr16-88437582-C-T. GRCh37 (hg19) VCF-style: chr16-88503990-C-T.
Other names: NM_001127464.1:c.10028C>T; short protein forms P3371L.
Identifiers: ClinVar variation 1770830 (VCV001770830.5), dbSNP rs1387401236, ClinGen allele CA397125733.

ClinVar aggregate classification (germline): Uncertain significance. Review status: criteria provided, multiple submitters, no conflicts (2 of 4 stars). 2 submissions from 2 submitters: Uncertain significance (2). Last evaluated 2025-04-13.

Conditions:
Cardiovascular phenotype. Identifiers: MedGen CN230736.

Allele frequency attached by ClinVar (database versions not stated): gnomAD exomes below 0.00001; TOPMed below 0.00001; gnomAD 0.00001.
gnomAD v4.1: 5 of 1,534,196 alleles (0.00033%); highest among the groups gnomAD compares: Admixed American, 0.0079%; no homozygotes.

Submissions (2):

Ambry Genetics
Classification: Uncertain significance for Cardiovascular phenotype. Last evaluated: 2025-04-13. Review status: criteria provided, single submitter. Criteria: Ambry Variant Classification Scheme 2023. Collection method: clinical testing. Allele origin: germline.
Comment: The p.P3343L variant (also known as c.10028C>T), located in coding exon 2 of the ZNF469 gene, results from a C to T substitution at nucleotide position 10028. The proline at codon 3343 is replaced by leucine, an amino acid with similar properties. This amino acid position is conserved. In addition, this alteration is predicted to be tolerated by in silico analysis. Since supporting evidence is limited at this time, the clinical significance of this alteration remains unclear.

Labcorp Genetics (formerly Invitae), Labcorp
Classification: Uncertain significance. Last evaluated: 2022-06-14. Review status: criteria provided, single submitter. Criteria: Invitae Variant Classification Sherloc (09022015). Collection method: clinical testing. Allele origin: germline.
Comment: This sequence change replaces proline, which is neutral and non-polar, with leucine, which is neutral and non-polar, at codon 3343 of the ZNF469 protein (p.Pro3343Leu). This variant is present in population databases (no rsID available, gnomAD 0.01%). This variant has not been reported in the literature in individuals affected with ZNF469-related conditions. Algorithms developed to predict the effect of missense changes on protein structure and function are either unavailable or do not agree on the potential impact of this missense change (SIFT: "Deleterious"; PolyPhen-2: "Probably Damaging"; Align-GVGD: "Class C0"). In summary, the available evidence is currently insufficient to determine the role of this variant in disease. Therefore, it has been classified as a Variant of Uncertain Significance.